The following is an entry in ClinVar:

NM_001374736.1(DST):c.14264C>G (p.Ala4755Gly)

Genes: DST (dystonin; minus strand), LOC129389544 (MPRA-validated peak5860 silencer; plus strand). Cytogenetic location: 6p12.1.
Variant type: single nucleotide variant.
Coding change: c.14264C>G on transcript NM_001374736.1 (MANE Select); coding-DNA position 14264, C replaced by G.
Protein change: p.Ala4755Gly; replaces alanine 4755 with glycine.
Molecular consequence: missense variant.
Genome position (GRCh38, 1-based): chr6:56,561,354, G>C on the plus strand (C>G on the coding strand, the complement: DST is on the minus strand). VCF-style: chr6-56561354-G-C. GRCh37 (hg19) VCF-style: chr6-56426152-G-C.
Other names: c.7907C>G, p.Ala2636Gly (NM_001144769.5); c.7493C>G, p.Ala2498Gly (NM_001144770.2); c.14264C>G, p.Ala4755Gly (NM_001374722.1); c.13631C>G, p.Ala4544Gly (NM_001374729.1); c.7373C>G, p.Ala2458Gly (NM_001374730.1, NM_001386100.1, NM_183380.4); c.14291C>G, p.Ala4764Gly (NM_001374734.1); c.6395C>G, p.Ala2132Gly (NM_015548.5); short protein forms A2132G, A4755G, A2458G, A4544G, A2498G, A4764G, A2636G.
Identifiers: ClinVar variation 1396363 (VCV001396363.4), dbSNP rs781149123, ClinGen allele CA364522364.

ClinVar aggregate classification (germline): Uncertain significance (1 of 4 stars; one submission).

Conditions:
Epidermolysis bullosa simplex 3, localized or generalized intermediate, with BP230 deficiency (EBS3). Also called: Epidermolysis bullosa simplex, autosomal recessive 2; Epidermolysis bullosa simplex due to BP230 deficiency. Identifiers: Orphanet 412181, MedGen C3809470, MONDO:0014180, OMIM 615425.
Hereditary sensory and autonomic neuropathy type 6. Also called: HSAN VI; Neuropathy, hereditary sensory and autonomic, type VI. Identifiers: Orphanet 314381, MedGen C3539003, MONDO:0013839, OMIM 614653.

Allele frequency attached by ClinVar (database versions not stated): TOPMed 0.00001.
gnomAD v4.1: 1 of 1,613,586 alleles (0.000062%); highest among the groups gnomAD compares: Non-Finnish European, 0.000085%; no homozygotes.

Submission:

Labcorp Genetics (formerly Invitae), Labcorp
Classification: Uncertain significance for Epidermolysis bullosa simplex 3, localized or generalized intermediate, with BP230 deficiency; Hereditary sensory and autonomic neuropathy type 6. Last evaluated: 2023-05-22. Review status: criteria provided, single submitter. Criteria: Invitae Variant Classification Sherloc (09022015). Collection method: clinical testing. Allele origin: germline.
Comment: In summary, the available evidence is currently insufficient to determine the role of this variant in disease. Therefore, it has been classified as a Variant of Uncertain Significance. Experimental studies and prediction algorithms are not available or were not evaluated, and the functional significance of this variant is currently unknown. This variant has not been reported in the literature in individuals affected with DST-related conditions. This variant is present in population databases (no rsID available, gnomAD 0.007%). This sequence change replaces alanine, which is neutral and non-polar, with glycine, which is neutral and non-polar, at codon 2132 of the DST protein (p.Ala2132Gly). The DST gene has multiple clinically relevant transcripts. This variant occurs in alternate transcript NM_015548.4, and corresponds to NM_001723.5:c.*54163C>G in the primary transcript.